The following is an entry in ClinVar:

NC_000015.10:g.(?_40412971)_(40418283_?)del

Gene: IVD (isovaleryl-CoA dehydrogenase; plus strand). Cytogenetic location: 15q15.1.
Variant type: Deletion.
Identifiers: ClinVar variation 645877 (VCV000645877.7).

ClinVar aggregate classification (germline): Likely pathogenic (1 of 4 stars; one submission).

Conditions:
Isovaleryl-CoA dehydrogenase deficiency (IVA). Also called: Isovaleric acidemia; IVD DEFICIENCY; ISOVALERIC ACID CoA DEHYDROGENASE DEFICIENCY; Classic Isovaleric Acidemia. Identifiers: Orphanet 33, MedGen C0268575, MONDO:0009475, OMIM 243500.

Submission:

Labcorp Genetics (formerly Invitae), Labcorp
Classification: Likely pathogenic for Isovaleryl-CoA dehydrogenase deficiency. Last evaluated: 2018-11-28. Review status: criteria provided, single submitter. Criteria: Invitae Variant Classification Sherloc (09022015). Collection method: clinical testing. Allele origin: germline.
Comment: In summary, the currently available evidence indicates that the variant is pathogenic, but additional data are needed to prove that conclusively. Therefore, this variant has been classified as Likely Pathogenic. This deletion disrupts the p.Ala314 amino acid residue in IVD. Another variant that disrupt this residue has been observed in individuals with IVD-related conditions (PMID:¬†15486829,¬†15486829, 9665741, 27904153,¬†9665741), suggesting that it is a clinically significant residue. As a result, variants that disrupt this residue are likely to be causative of disease. This variant is a gross deletion of the genomic region encompassing exons 7-12 of the IVD gene. The 5' boundary is likely confined to intron 6. The 3' end of this event is unknown as it extends through the termination codon beyond the assayed region for this gene and may encompass additional genes. While this deletion is not anticipated to result in nonsense mediated decay, it is expected to create a truncated protein product or disrupt mRNA translation.